The following is an entry in ClinVar:

ClinVar aggregate classification (germline): Uncertain significance (1 of 4 stars; one submission).

Conditions:
Pulmonary hypertension, primary, 2. Identifiers: Orphanet 422, MedGen C3888002, MONDO:0014134, OMIM 615342.

Allele frequency attached by ClinVar (database versions not stated): ExAC 0.00003; TOPMed 0.00005; gnomAD 0.00006.
gnomAD v4.1: 38 of 1,613,904 alleles (0.0024%); highest among the groups gnomAD compares: Middle Eastern, 0.016%; no homozygotes.

Submission:

Labcorp Genetics (formerly Invitae), Labcorp
Classification: Uncertain significance for Pulmonary hypertension, primary, 2. Last evaluated: 2023-08-30. Review status: criteria provided, single submitter. Criteria: Invitae Variant Classification Sherloc (09022015). Collection method: clinical testing. Allele origin: germline.
Comment: This variant is present in population databases (rs745716683, gnomAD 0.01%). In summary, the available evidence is currently insufficient to determine the role of this variant in disease. Therefore, it has been classified as a Variant of Uncertain Significance. Advanced modeling of protein sequence and biophysical properties (such as structural, functional, and spatial information, amino acid conservation, physicochemical variation, residue mobility, and thermodynamic stability) performed at Invitae indicates that this missense variant is not expected to disrupt SMAD9 protein function. This variant has not been reported in the literature in individuals affected with SMAD9-related conditions. This sequence change replaces tyrosine, which is neutral and polar, with cysteine, which is neutral and slightly polar, at codon 220 of the SMAD9 protein (p.Tyr220Cys).

NM_001127217.3(SMAD9):c.659A>G (p.Tyr220Cys)

Gene: SMAD9 (SMAD family member 9; minus strand). Cytogenetic location: 13q13.3.
Variant type: single nucleotide variant.
Coding change: c.659A>G on transcript NM_001127217.3 (MANE Select); coding-DNA position 659, A replaced by G.
Protein change: p.Tyr220Cys; replaces tyrosine 220 with cysteine.
Molecular consequence: missense variant.
Genome position (GRCh38, 1-based): chr13:36,872,669, T>C on the plus strand (A>G on the coding strand, the complement: SMAD9 is on the minus strand). VCF-style: chr13-36872669-T-C. GRCh37 (hg19) VCF-style: chr13-37446806-T-C.
Other names: c.659A>G, p.Tyr220Cys (NM_001378621.1, NM_005905.6); short protein forms Y220C.
Identifiers: ClinVar variation 2754423 (VCV002754423.3), dbSNP rs745716683, ClinGen allele CA6950503.